The following is an entry in ClinVar:

NM_004408.4(DNM1):c.725T>C (p.Ile242Thr)

Gene: DNM1 (dynamin 1; plus strand). Cytogenetic location: 9q34.11.
Variant type: single nucleotide variant.
Coding change: c.725T>C on transcript NM_004408.4 (MANE Select); coding-DNA position 725, T replaced by C.
Protein change: p.Ile242Thr; replaces isoleucine 242 with threonine.
Molecular consequence: missense variant.
Genome position (GRCh38, 1-based): chr9:128,220,217, T>C. VCF-style: chr9-128220217-T-C. GRCh37 (hg19) VCF-style: chr9-130982496-T-C.
Other names: c.725T>C, p.Ile242Thr (NM_001005336.3, NM_001288737.2, NM_001288738.2 and 2 more transcripts); c.725T>C (NM_004408.3); short protein forms I242T.
Identifiers: ClinVar variation 1388064 (VCV001388064.7), dbSNP rs138357499, ClinGen allele CA5257874.
Genomic context (GRCh38, chr9:128,220,217, plus strand): 5'-CCCTGACCTTGATACTGTTCACAGGCTACATTGGAGTGGTGAACCGGAGCCAGAAGGACA[T>C]TGATGGCAAGAAGGACATTACCGCCGCCTTGGCTGCTGAACGAAAGTTCTTCCTCTCCCA-3'
Protein context (NP_004399.2, residues 232-252): IGVVNRSQKD[Ile242Thr]DGKKDITAAL

ClinVar aggregate classification (germline): Conflicting classifications of pathogenicity. Review status: criteria provided, conflicting classifications (1 of 4 stars). 2 submissions from 2 submitters: Uncertain significance (1); Likely benign (1). Last evaluated 2024-10-24.

Conditions:
Developmental and epileptic encephalopathy, 31A. Also called: Epileptic encephalopathy, early infantile, 31; Developmental and epileptic encephalopathy, 31. Identifiers: Orphanet 2382, MedGen C4225357, MONDO:0014598, OMIM 616346.

Allele frequency attached by ClinVar (database versions not stated): gnomAD exomes below 0.00001 and 0.00002; ExAC 0.00002; TOPMed 0.00004; gnomAD 0.00005 and 0.00006; ESP Exome Variant Server 0.00038.
gnomAD v4.1: 10 of 1,614,014 alleles (0.00062%); highest among the groups gnomAD compares: African/African-American, 0.0067%; no homozygotes.

Submissions (2):

Labcorp Genetics (formerly Invitae), Labcorp
Classification: Likely benign for Developmental and epileptic encephalopathy, 31A. Last evaluated: 2024-10-24. Review status: criteria provided, single submitter. Criteria: Invitae Variant Classification Sherloc (09022015). Collection method: clinical testing. Allele origin: germline.

GeneDx
Classification: Uncertain significance. Last evaluated: 2024-09-20. Review status: criteria provided, single submitter. Criteria: GeneDx Variant Classification Process June 2021. Collection method: clinical testing. Allele origin: germline. Affected: yes.
Comment: In silico analysis supports that this missense variant has a deleterious effect on protein structure/function; Has not been previously published as pathogenic or benign to our knowledge